The following is an entry in ClinVar:

ClinVar aggregate classification (germline): Uncertain significance (1 of 4 stars; one submission).

Conditions:
EAST syndrome (SESAMES). Also called: SEIZURES, SENSORINEURAL DEAFNESS, ATAXIA, IMPAIRED INTELLECTUAL DEVELOPMENT, AND ELECTROLYTE IMBALANCE. Identifiers: Orphanet 199343, MedGen C2748572, MONDO:0013005, OMIM 612780.

Submission:

Labcorp Genetics (formerly Invitae), Labcorp
Classification: Uncertain significance for EAST syndrome. Last evaluated: 2025-08-20. Review status: criteria provided, single submitter. Criteria: Invitae Variant Classification Sherloc (09022015). Collection method: clinical testing. Allele origin: germline.
Comment: This sequence change replaces serine, which is neutral and polar, with asparagine, which is neutral and polar, at codon 328 of the KCNJ10 protein (p.Ser328Asn). This variant is present in population databases (rs758090376, gnomAD 0.0009%). This variant has not been reported in the literature in individuals affected with KCNJ10-related conditions. Invitae Evidence Modeling of protein sequence and biophysical properties (such as structural, functional, and spatial information, amino acid conservation, physicochemical variation, residue mobility, and thermodynamic stability) indicates that this missense variant is not expected to disrupt KCNJ10 protein function with a negative predictive value of 95%. In summary, the available evidence is currently insufficient to determine the role of this variant in disease. Therefore, it has been classified as a Variant of Uncertain Significance.

NM_002241.5(KCNJ10):c.983G>A (p.Ser328Asn)

Gene: KCNJ10 (potassium inwardly rectifying channel subfamily J member 10; minus strand). Cytogenetic location: 1q23.2.
Variant type: single nucleotide variant.
Coding change: c.983G>A on transcript NM_002241.5 (MANE Select); coding-DNA position 983, G replaced by A.
Protein change: p.Ser328Asn; replaces serine 328 with asparagine.
Molecular consequence: missense variant.
Genome position (GRCh38, 1-based): chr1:160,041,550, C>T on the plus strand (G>A on the coding strand, the complement: KCNJ10 is on the minus strand). VCF-style: chr1-160041550-C-T. GRCh37 (hg19) VCF-style: chr1-160011340-C-T.
Other names: short protein forms S328N.
Identifiers: ClinVar variation 4747223 (VCV004747223.1).